The following is an entry in ClinVar:

NM_000053.4(ATP7B):c.4301C>T (p.Thr1434Met)

Gene: ATP7B (ATPase copper transporting beta; minus strand). Cytogenetic location: 13q14.3.
Variant type: single nucleotide variant.
Coding change: c.4301C>T on transcript NM_000053.4 (MANE Select); coding-DNA position 4301, C replaced by T.
Protein change: p.Thr1434Met; replaces threonine 1434 with methionine.
Molecular consequence: missense variant.
Genome position (GRCh38, 1-based): chr13:51,934,853, G>A on the plus strand (C>T on the coding strand, the complement: ATP7B is on the minus strand). VCF-style: chr13-51934853-G-A. GRCh37 (hg19) VCF-style: chr13-52508989-G-A.
Other names: c.3680C>T, p.Thr1227Met (NM_001005918.3); c.3968C>T, p.Thr1323Met (NM_001243182.2); c.4067C>T, p.Thr1356Met (NM_001330578.2); c.4049C>T, p.Thr1350Met (NM_001330579.2); short protein forms T1434M, T1350M, T1356M, T1227M, T1323M.
Identifiers: ClinVar variation 35730 (VCV000035730.96), dbSNP rs60986317, ClinGen allele CA260152.

ClinVar aggregate classification (germline): Conflicting classifications of pathogenicity. Review status: criteria provided, conflicting classifications (1 of 4 stars). 21 submissions from 21 submitters: Uncertain significance (6); Benign (1); Likely benign (9). 5 of the submissions do not count toward it. Last evaluated 2026-09-01.

Conditions:
Wilson disease (WND). Also called: Wilson's disease. Identifiers: Orphanet 905, MedGen C0019202, MONDO:0010200, OMIM 277900. Disease mechanism: loss of function.

Allele frequency attached by ClinVar (database versions not stated): gnomAD 0.00282 and 0.00266; TOPMed 0.00303; 1000 Genomes Project 30x 0.00281; 1000 Genomes Project 0.00240; ExAC 0.00190; gnomAD exomes 0.00197; ESP Exome Variant Server 0.00248.
gnomAD v4.1: 2,156 of 1,614,208 alleles (0.13%); highest among the groups gnomAD compares: Middle Eastern, 0.61%; 5 homozygotes.

Submissions (21):

CeGaT Center for Human Genetics Tuebingen
Classification: Likely benign. Last evaluated: 2026-09-01. Review status: criteria provided, single submitter. Criteria: CeGaT Center For Human Genetics Tuebingen Variant Classification Criteria Version 2. Collection method: clinical testing. Allele origin: germline. Affected: yes. Observed: 53 variant alleles.
Comment: ATP7B: BP4, BS2

Women's Health and Genetics/Laboratory Corporation of America, LabCorp
Classification: Likely benign. Last evaluated: 2026-05-19. Review status: criteria provided, single submitter. Criteria: LabCorp Variant Classification Summary - May 2015. Collection method: clinical testing. Allele origin: germline.
Comment: Variant summary: ATP7B c.4301C>T (p.Thr1434Met) results in a non-conservative amino acid change in the encoded protein sequence. Algorithms developed to predict the effect of missense changes on protein structure and function are either unavailable or do not agree on the potential impact of this missense change. The variant allele was found at a frequency of 0.002 in 249530 control chromosomes, predominantly at a frequency of 0.009 within the Ashkenazi Jewish subpopulation in the gnomAD database. The observed variant frequency within Ashkenazi Jewish control individuals in the gnomAD database exceeds the estimated maximal expected allele frequency for disease-causing variants in ATP7B. c.4301C>T, has been reported in the literature in individuals affected with Wilson Disease (Loudianos_1999, Abdelghaffar_2008, Lepori_2012) and other disease phenotypes (e.g. Vasta_2012, Demily_2017, Coutelier_2018). However, co-occurrences with other pathogenic variant have been reported (ATP7B homozygous c.3809A>G (p.Asn1270Ser); Abdelghaffar_2008) that could explain the patient's phenotype, thus providing supporting evidence for a benign role. Publications also reported experimental evidence evaluating an impact on protein function, and showed no damaging effect for this variant (Braiterman_2011, Hsi_2003). The following publications have been ascertained in the context of this evaluation (PMID: 21682854, 18483695, 21454443, 30097039, 29482223, 28392828, 14962673, 22484412, 10544227, 22494076). ClinVar contains an entry for this variant (Variation ID: 35730). Based on the evidence outlined above, the variant was classified as likely benign.

Labcorp Genetics (formerly Invitae), Labcorp
Classification: Likely benign for Wilson disease. Last evaluated: 2026-01-31. Review status: criteria provided, single submitter. Criteria: Invitae Variant Classification Sherloc (09022015). Collection method: clinical testing. Allele origin: germline.

Mayo Clinic Laboratories, Mayo Clinic
Classification: Likely benign. Last evaluated: 2025-03-20. Review status: criteria provided, single submitter. Criteria: ACMG Guidelines, 2015. Collection method: clinical testing. Allele origin: germline. Observed: 8 variant alleles.
Comment: BS1, BP4

ARUP Laboratories, Molecular Genetics and Genomics, ARUP Laboratories
Classification: Likely benign for Wilson disease. Last evaluated: 2025-02-18. Review status: criteria provided, single submitter. Criteria: ARUP Molecular Germline Variant Investigation Process 2024. Collection method: clinical testing. Allele origin: germline.

Blueprint Genetics
Classification: Likely benign. Last evaluated: 2024-11-11. Review status: criteria provided, single submitter. Criteria: ACMG Guidelines, 2015. Collection method: clinical testing. Allele origin: germline.

All of Us Research Program, National Institutes of Health
Classification: Likely benign for Wilson disease. Last evaluated: 2024-09-23. Review status: criteria provided, single submitter. Criteria: ACMG Guidelines, 2015. Collection method: clinical testing. Allele origin: germline. Inheritance: Autosomal recessive inheritance. Observed: 604 variant alleles, 599 heterozygotes, 4 homozygotes, 1 hemizygote.
Comment: This study involves interpretation of variants in research participants for the purpose of population health screening. Participant phenotype was not available at the time of variant classification. Additional details can be found in publication PMID: 35346344, PMCID: PMC8962531

Myriad Genetics, Inc.
Classification: Uncertain significance for Wilson disease. Last evaluated: 2021-10-01. Review status: criteria provided, single submitter. Criteria: Myriad Women's Health Autosomal Recessive and X-Linked Classification Criteria (2021). Collection method: clinical testing. Allele origin: unknown.
Comment: NM_000053.3(ATP7B):c.4301C>T(T1434M) is a missense variant classified as a variant of uncertain significance in the context of Wilson disease. T1434M has been observed in cases with relevant disease (PMID 29482223, 18483695, 10544227, 22484412, 32154060). Functional assessments of this variant are available in the literature (PMID: 14962673, 21454443). T1434M has been observed in population frequency databases (gnomAD: ASJ 0.91%). In summary, there is insufficient evidence to classify NM_000053.3(ATP7B):c.4301C>T(T1434M) as pathogenic or benign. Please note: this variant was assessed in the context of healthy population screening.

National Institute of Allergy and Infectious Diseases - Centralized Sequencing Program, National Institutes of Health
Classification: Uncertain significance for Wilson disease. Last evaluated: 2021-08-06. Review status: criteria provided, single submitter. Criteria: ACMG Guidelines, 2015. Collection method: clinical testing. Allele origin: germline. Affected: no.

Genome-Nilou Lab
Classification: Uncertain significance for Wilson disease. Last evaluated: 2021-05-18. Review status: criteria provided, single submitter. Criteria: ACMG Guidelines, 2015. Collection method: clinical testing. Allele origin: germline. Affected: no.

Mendelics
Classification: Uncertain significance for Wilson disease. Last evaluated: 2019-05-28. Review status: criteria provided, single submitter. Criteria: Mendelics Assertion Criteria 2017. Collection method: clinical testing. Allele origin: unknown.

Laboratory for Molecular Medicine, Mass General Brigham Personalized Medicine
Classification: Likely benign. Last evaluated: 2019-04-18. Review status: criteria provided, single submitter. Criteria: ACMG Guidelines, 2015. Collection method: clinical testing. Allele origin: germline.
Comment: The p.Thr1323Met variant in ATP7B (also described as p.Thr1434Met) has been reported in at least 1 heterozygous individual and 1 homozygous individual with Wilson disease; however the homozygous individual was also homozygous for a known pathogenic variant in ATP7B (Loudianos 1999, Abdel Ghaffar 2008, Abdel Ghaffar 2011). This variant has also been reported in ClinVar (Variation ID#35730). This variant was also reported in 4 heterozygous individuals with other neuropsychiatric diseases and were not observed to have typical Wilson disease features (Bell 2011 and Demily 2017). In vitro functional studies in yeast do not suggest copper transport or complementation are impaired (Hsi 2004); however, these types of assays may not accurately represent biological function. This variant has been identified in 0.877% (89/10150) of Ashkenazi Jewish chromosomes by the Genome Aggregation Database (gnomAD; dbSNP rs60986317). In summary, due to its population frequency and functional data and findings with other pathogenic variants, the p.Thr1323Met variant is classified as likely benign. ACMG/AMP Criteria applied: BS3, BP4 (Richards 2015).

Centre for Mendelian Genomics, University Medical Centre Ljubljana
Classification: Uncertain significance for Wilson disease. Last evaluated: 2018-11-26. Review status: criteria provided, single submitter. Criteria: ACMG Guidelines, 2015. Collection method: clinical testing. Allele origin: unknown. Affected: yes.
Comment: This variant was classified as: Uncertain significance. The following ACMG criteria were applied in classifying this variant: PM2,PP2,PM5.

Color Diagnostics, LLC DBA Color Health
Classification: Likely benign for Wilson disease. Last evaluated: 2018-03-23. Review status: criteria provided, single submitter. Criteria: ACMG Guidelines, 2015. Collection method: clinical testing. Allele origin: germline.

Center for Pediatric Genomic Medicine, Children's Mercy Hospital and Clinics
Classification: Uncertain significance. Last evaluated: 2015-02-06. Review status: criteria provided, single submitter. Criteria: ACMG Guidelines, 2015. Collection method: clinical testing. Allele origin: germline.
ClinVar note: Converted during submission from Uncertain Significance to Uncertain significance.

PreventionGenetics, part of Exact Sciences
Classification: Benign. Review status: criteria provided, single submitter. Criteria: ACMG Guidelines, 2015. Collection method: clinical testing. Allele origin: germline.

Natera, Inc.
Classification: Benign for Wilson disease. Last evaluated: 2020-04-15. Review status: no assertion criteria provided. Collection method: clinical testing. Allele origin: germline. Not counted in ClinVar's aggregate classification.

Clinical Genetics DNA and cytogenetics Diagnostics Lab, Erasmus MC, Erasmus Medical Center
Classification: Likely benign. Review status: no assertion criteria provided. Collection method: clinical testing. Allele origin: germline. Affected: yes. Study: VKGL Data-share Consensus. Not counted in ClinVar's aggregate classification.

Diagnostic Laboratory, Department of Genetics, University Medical Center Groningen
Classification: Likely benign. Review status: no assertion criteria provided. Collection method: clinical testing. Allele origin: germline. Affected: yes. Study: VKGL Data-share Consensus. Not counted in ClinVar's aggregate classification.

Genome Diagnostics Laboratory, Amsterdam University Medical Center
Classification: Likely benign. Review status: no assertion criteria provided. Collection method: clinical testing. Allele origin: germline. Affected: yes. Study: VKGL Data-share Consensus. Not counted in ClinVar's aggregate classification.

Genome Diagnostics Laboratory, University Medical Center Utrecht
Classification: Likely benign. Review status: no assertion criteria provided. Collection method: clinical testing. Allele origin: germline. Affected: yes. Study: VKGL Data-share Consensus. Not counted in ClinVar's aggregate classification.

Literature cited by the submitters: PubMed 14962673 (cited by 3 submitters); PubMed 18483695 (cited by 3 submitters); PubMed 10544227 (cited by 3 submitters); PubMed 21454443 (cited by Women's Health and Genetics/Laboratory Corporation of America, LabCorp and Myriad Genetics, Inc.); PubMed 21682854 (cited by Women's Health and Genetics/Laboratory Corporation of America, LabCorp and Laboratory for Molecular Medicine, Mass General Brigham Personalized Medicine); PubMed 22484412 (cited by Women's Health and Genetics/Laboratory Corporation of America, LabCorp and Myriad Genetics, Inc.); PubMed 22494076 (cited by Women's Health and Genetics/Laboratory Corporation of America, LabCorp); PubMed 28392828 (cited by Women's Health and Genetics/Laboratory Corporation of America, LabCorp and Laboratory for Molecular Medicine, Mass General Brigham Personalized Medicine); PubMed 30097039 (cited by Women's Health and Genetics/Laboratory Corporation of America, LabCorp); PubMed 29482223 (cited by Women's Health and Genetics/Laboratory Corporation of America, LabCorp and Myriad Genetics, Inc.); PubMed 32154060 (cited by Myriad Genetics, Inc.); PubMed 21228398 (cited by Laboratory for Molecular Medicine, Mass General Brigham Personalized Medicine); PubMed 23029640 (cited by Laboratory for Molecular Medicine, Mass General Brigham Personalized Medicine); PubMed 16472602 (cited by Laboratory for Molecular Medicine, Mass General Brigham Personalized Medicine).